The following is an entry in ClinVar:

ClinVar aggregate classification (germline): Benign (0 of 4 stars; one submission).

Conditions:
CHD3-related disorder. Also called: CHD3-related condition.

Allele frequency attached by ClinVar (database versions not stated): ESP Exome Variant Server 0.00008; gnomAD exomes 0.00125; gnomAD 0.00157; TOPMed 0.00223; ExAC 0.00364; 1000 Genomes Project 30x 0.00718; 1000 Genomes Project 0.00759.
gnomAD v4.1: 2,144 of 1,614,136 alleles (0.13%); highest among the groups gnomAD compares: East Asian, 4%; 51 homozygotes.

Submission:

PreventionGenetics, part of Exact Sciences
Classification: Benign for CHD3-related condition. Last evaluated: 2019-02-28. Review status: no assertion criteria provided. Collection method: clinical testing. Allele origin: germline.
Comment: This variant is classified as benign based on ACMG/AMP sequence variant interpretation guidelines (Richards et al. 2015 PMID: 25741868, with internal and published modifications).

NM_001005273.3(CHD3):c.3462T>C (p.Phe1154=)

Gene: CHD3 (chromodomain helicase DNA binding protein 3; plus strand). Cytogenetic location: 17p13.1.
Variant type: single nucleotide variant.
Coding change: c.3462T>C on transcript NM_001005273.3 (MANE Select); coding-DNA position 3462, T replaced by C.
Protein change: p.Phe1154=; no amino-acid change (phenylalanine 1154 retained).
Molecular consequence: synonymous variant.
Genome position (GRCh38, 1-based): chr17:7,903,028, T>C. VCF-style: chr17-7903028-T-C. GRCh37 (hg19) VCF-style: chr17-7806346-T-C.
Other names: c.3639T>C, p.Phe1213= (NM_001005271.3); c.3462T>C, p.Phe1154= (NM_005852.4).
Identifiers: ClinVar variation 3038116 (VCV003038116.2), dbSNP rs74903197, ClinGen allele CA8363089.